The following is an entry in ClinVar:

NM_001008537.3(NEXMIF):c.2457A>T (p.Leu819Phe)

Gene: NEXMIF (neurite extension and migration factor; minus strand). Cytogenetic location: Xq13.3.
Variant type: single nucleotide variant.
Coding change: c.2457A>T on transcript NM_001008537.3 (MANE Select); coding-DNA position 2457, A replaced by T.
Protein change: p.Leu819Phe; replaces leucine 819 with phenylalanine.
Molecular consequence: missense variant.
Genome position (GRCh38, 1-based): chrX:74,742,100, T>A on the plus strand (A>T on the coding strand, the complement: NEXMIF is on the minus strand). VCF-style: chrX-74742100-T-A. GRCh37 (hg19) VCF-style: chrX-73961935-T-A.
Other names: short protein forms L819F.
Identifiers: ClinVar variation 2028214 (VCV002028214.4), dbSNP rs2080107076, ClinGen allele CA413668185.

ClinVar aggregate classification (germline): Uncertain significance. Review status: criteria provided, multiple submitters, no conflicts (2 of 4 stars). 2 submissions from 2 submitters: Uncertain significance (2). Last evaluated 2023-11-01.

Conditions:
X-linked intellectual disability, Cantagrel type (XLID98). Also called: INTELLECTUAL DEVELOPMENTAL DISORDER, X-LINKED 98. Identifiers: Orphanet 85277, MedGen C3806730, MONDO:0010483, OMIM 300912.

Submissions (2):

Labcorp Genetics (formerly Invitae), Labcorp
Classification: Uncertain significance. Last evaluated: 2023-11-01. Review status: criteria provided, single submitter. Criteria: Invitae Variant Classification Sherloc (09022015). Collection method: clinical testing. Allele origin: germline.
Comment: This sequence change replaces leucine, which is neutral and non-polar, with phenylalanine, which is neutral and non-polar, at codon 819 of the NEXMIF protein (p.Leu819Phe). This variant is not present in population databases (gnomAD no frequency). This variant has not been reported in the literature in individuals affected with NEXMIF-related conditions. ClinVar contains an entry for this variant (Variation ID: 2028214). An algorithm developed to predict the effect of missense changes on protein structure and function (PolyPhen-2) suggests that this variant is likely to be disruptive. In summary, the available evidence is currently insufficient to determine the role of this variant in disease. Therefore, it has been classified as a Variant of Uncertain Significance.

Neuberg Centre For Genomic Medicine, NCGM
Classification: Uncertain significance for X-linked intellectual disability, Cantagrel type. Review status: criteria provided, single submitter. Criteria: ACMG Guidelines, 2015. Collection method: clinical testing. Allele origin: germline. Inheritance: X-linked dominant inheritance. Affected: yes.
Comment: The missense variant p.L819F in NEXMIF (NM_001008537.3) has not been reported previously as a pathogenic variant nor as a benign variant, to our knowledge. The p.L819F variant is novel (not in any individuals) in gnomAD Exomes and is novel (not in any individuals) in 1000 Genomes. The p.L819F missense variant is predicted to be damaging by both SIFT and PolyPhen2. The leucine residue at codon 819 of NEXMIF is conserved in all mammalian species. The nucleotide c.2457 in NEXMIF is predicted conserved by GERP++ and PhyloP across 100 vertebrates. For these reasons, this variant has been classified as Uncertain Significance.